The following is an entry in ClinVar:

ClinVar aggregate classification (germline): Benign/Likely benign. Review status: criteria provided, multiple submitters, no conflicts (2 of 4 stars). 3 submissions from 3 submitters: Benign (1); Likely benign (2). Last evaluated 2025-01-15.

Conditions:
Hereditary cancer-predisposing syndrome. Also called: Hereditary neoplastic syndrome; Neoplastic Syndromes, Hereditary; Tumor predisposition; Hereditary Cancer Syndrome. Identifiers: Orphanet 140162, MedGen C0027672, MeSH D009386, MONDO:0015356.
Familial cancer of breast. Also called: Hereditary breast cancer; BREAST CANCER, FAMILIAL; hereditary breast carcinoma. Identifiers: Orphanet 227535, MedGen C0346153, MONDO:0016419, OMIM 114480. Disease mechanism: loss of function.

gnomAD v4.1: 1 of 1,614,138 alleles (0.000062%); highest among the groups gnomAD compares: South Asian, 0.0011%; no homozygotes.

Submissions (3):

Myriad Genetics, Inc.
Classification: Benign for Familial cancer of breast. Last evaluated: 2025-01-15. Review status: criteria provided, single submitter. Criteria: Myriad Autosomal Dominant, Autosomal Recessive and X-Linked Classification Criteria (2023). Collection method: clinical testing. Allele origin: unknown.
Comment: This variant is considered benign. This variant is a silent/synonymous amino acid change and it is not expected to impact splicing.

Labcorp Genetics (formerly Invitae), Labcorp
Classification: Likely benign for Familial cancer of breast. Last evaluated: 2024-10-12. Review status: criteria provided, single submitter. Criteria: Invitae Variant Classification Sherloc (09022015). Collection method: clinical testing. Allele origin: germline.

Ambry Genetics
Classification: Likely benign for Hereditary cancer-predisposing syndrome. Last evaluated: 2024-05-16. Review status: criteria provided, single submitter. Criteria: Ambry Variant Classification Scheme 2023. Collection method: clinical testing. Allele origin: germline.

NM_024675.4(PALB2):c.2100A>C (p.Ser700=)

Gene: PALB2 (partner and localizer of BRCA2; minus strand). Cytogenetic location: 16p12.2.
Variant type: single nucleotide variant.
Coding change: c.2100A>C on transcript NM_024675.4 (MANE Select); coding-DNA position 2100, A replaced by C.
Protein change: p.Ser700=; no amino-acid change (serine 700 retained).
Molecular consequence: synonymous variant. On other transcripts: intron variant (1).
Genome position (GRCh38, 1-based): chr16:23,630,054, T>G on the plus strand (A>C on the coding strand, the complement: PALB2 is on the minus strand). VCF-style: chr16-23630054-T-G. GRCh37 (hg19) VCF-style: chr16-23641375-T-G.
Other names: c.2040A>C, p.Ser680= (NM_001407296.1); c.2100A>C, p.Ser700= (NM_001407297.1, NM_001407298.1, NM_001407299.1 and 3 more transcripts); c.1215A>C, p.Ser405= (NM_001407304.1, NM_001407305.1, NM_001407306.1 and 5 more transcripts); c.312A>C, p.Ser104= (NM_001407312.1, NM_001407313.1); c.49-779A>C (NM_001407314.1).
Identifiers: ClinVar variation 2784445 (VCV002784445.5), dbSNP rs757145884, ClinGen allele CA494461199.
Genomic context (GRCh38, chr16:23,630,054, plus strand): 5'-GGTAGGCCTGTCATTATCATCAGGCGCAACCGTATTTAAAGGAGTATAAAGTAATATGGA[T>G]GAAGAAAGGCCCGTCTTTGTATGCTGGCTTTGCGAGTTTGGCCTTTTGGGATGTGATTTT-3'
Protein context (NP_078951.2, residues 690-710): QSQHTKTGLS[Ser700=]SILLYTPLNT